The following is an entry in ClinVar:

ClinVar aggregate classification (germline): Uncertain significance (1 of 4 stars; one submission).

Allele frequency attached by ClinVar (database versions not stated): gnomAD exomes below 0.00001; TOPMed 0.00002.
gnomAD v4.1: 3 of 1,209,805 alleles (0.00025%); highest among the groups gnomAD compares: Non-Finnish European, 0.00034%; no homozygotes.

Submission:

GeneDx
Classification: Uncertain significance. Last evaluated: 2022-11-23. Review status: criteria provided, single submitter. Criteria: GeneDx Variant Classification Process June 2021. Collection method: clinical testing. Allele origin: germline. Affected: yes.
Comment: Not observed at significant frequency in large population cohorts (gnomAD); In silico analysis supports that this missense variant has a deleterious effect on protein structure/function; Has not been previously published as pathogenic or benign to our knowledge

NM_020922.5(WNK3):c.140C>G (p.Ser47Cys)

Gene: WNK3 (WNK lysine deficient protein kinase 3; minus strand). Cytogenetic location: Xp11.22.
Variant type: single nucleotide variant.
Coding change: c.140C>G on transcript NM_020922.5 (MANE Select); coding-DNA position 140, C replaced by G.
Protein change: p.Ser47Cys; replaces serine 47 with cysteine.
Molecular consequence: missense variant.
Genome position (GRCh38, 1-based): chrX:54,333,534, G>C on the plus strand (C>G on the coding strand, the complement: WNK3 is on the minus strand). VCF-style: chrX-54333534-G-C. GRCh37 (hg19) VCF-style: chrX-54359967-G-C.
Other names: c.140C>G, p.Ser47Cys (NM_001002838.4, NM_001395166.1); short protein forms S47C.
Identifiers: ClinVar variation 2503244 (VCV002503244.1), dbSNP rs939905882, ClinGen allele CA329043201.